The following is an entry in ClinVar:

ClinVar aggregate classification (germline): Benign. Review status: criteria provided, multiple submitters, no conflicts (2 of 4 stars). 3 submissions from 3 submitters: Benign (3). Last evaluated 2026-02-02.

Conditions:
Vitreoretinopathy. Also called: Vitreoretinal degeneration. Identifiers: MedGen C0344290, MONDO:0020248, HP:0007773.

Allele frequency attached by ClinVar (database versions not stated): 1000 Genomes Project 30x 0.01187; gnomAD 0.01205 and 0.01282; ESP Exome Variant Server 0.01261; TOPMed 0.01428; gnomAD exomes 0.00120 and 0.00291; ExAC 0.00347; 1000 Genomes Project 0.01058.
gnomAD v4.1: 3,674 of 1,613,890 alleles (0.23%); highest among the groups gnomAD compares: African/African-American, 4.3%; 87 homozygotes.

Submissions (3):

Labcorp Genetics (formerly Invitae), Labcorp
Classification: Benign. Last evaluated: 2026-02-02. Review status: criteria provided, single submitter. Criteria: Invitae Variant Classification Sherloc (09022015). Collection method: clinical testing. Allele origin: germline.

Illumina Laboratory Services, Illumina
Classification: Benign for Vitreoretinopathy. Last evaluated: 2018-01-13. Review status: criteria provided, single submitter. Criteria: ICSL Variant Classification Criteria 13 December 2019. Collection method: clinical testing. Allele origin: germline.
Comment: This variant was observed in the ICSL laboratory as part of a predisposition screen in an ostensibly healthy population. It had not been previously curated by ICSL or reported in the Human Gene Mutation Database (HGMD: prior to June 1st, 2018), and was therefore a candidate for classification through an automated scoring system. Utilizing variant allele frequency, disease prevalence and penetrance estimates, and inheritance mode, an automated score was calculated to assess if this variant is too frequent to cause the disease. Based on the score and internal cut-off values, a variant classified as benign is not then subjected to further curation. The score for this variant resulted in a classification of benign for this disease.

PreventionGenetics, part of Exact Sciences
Classification: Benign. Review status: criteria provided, single submitter. Criteria: ACMG Guidelines, 2015. Collection method: clinical testing. Allele origin: germline.

NM_004385.5(VCAN):c.6123C>T (p.Ile2041=)

Genes: VCAN (versican; plus strand), VCAN-AS1 (VCAN antisense RNA 1; minus strand). Cytogenetic location: 5q14.3.
Variant type: single nucleotide variant.
Coding change: c.6123C>T on transcript NM_004385.5 (MANE Select); coding-DNA position 6123, C replaced by T.
Protein change: p.Ile2041=; no amino-acid change (isoleucine 2041 retained).
Molecular consequence: synonymous variant. On other transcripts: intron variant (2).
Genome position (GRCh38, 1-based): chr5:83,539,126, C>T. VCF-style: chr5-83539126-C-T. GRCh37 (hg19) VCF-style: chr5-82834945-C-T.
Other names: c.3162C>T, p.Ile1054= (NM_001164097.2); c.4004-6411C>T (NM_001164098.2); c.1043-6411C>T (NM_001126336.3).
Identifiers: ClinVar variation 259371 (VCV000259371.17), dbSNP rs113659987, ClinGen allele CA3333432.